The following is an entry in ClinVar:

Single allele

Genes: ABHD4 (abhydrolase domain containing 4, N-acyl phospholipase B; plus strand), DAD1 (defender against cell death 1; minus strand), OR10G2 (olfactory receptor family 10 subfamily G member 2; minus strand), OR10G3 (olfactory receptor family 10 subfamily G member 3; minus strand), OR4E2 (olfactory receptor family 4 subfamily E member 2; plus strand) and 2 more. Cytogenetic location: 14q11.2.
Variant type: Deletion.
Identifiers: ClinVar variation 981171 (VCV000981171.1).

ClinVar aggregate classification (germline): Uncertain significance (1 of 4 stars; one submission).

Submission:

Rady Children's Institute for Genomic Medicine, Rady Children's Hospital San Diego
Classification: Uncertain significance. Last evaluated: 2019-11-05. Review status: criteria provided, single submitter. Criteria: ACMG CNV Guidelines, 2011. Collection method: clinical testing. Allele origin: germline. Affected: yes.
Comment: Deletions involving 14q11.2 have been previously reported in individuals with autism, developmental delay, intellectual disability, and seizures in DECIPHER. However, deletions involving 14q11.2 have also been observed in the Database of Genomic Variants and classified as benign in ClinVar. Based on the available evidence, this deletion is classified as a Variant of Uncertain Significance.